The following is an entry in ClinVar:

NM_001113378.2(FANCI):c.3469_3472dup (p.Cys1158Ter)

Gene: FANCI (FA complementation group I; plus strand). Cytogenetic location: 15q26.1.
Variant type: Duplication.
Coding change: c.3469_3472dup on transcript NM_001113378.2 (MANE Select); coding-DNA positions 3469 to 3472, 4 bases duplicated (AGCT; older notation c.3469_3472dupAGCT).
Protein change: p.Cys1158Ter; replaces cysteine 1158 with a stop codon.
Molecular consequence: nonsense.
Genome position (GRCh38, 1-based): chr15:89,306,126-89,306,129, AGCT duplicated. VCF-style (leftmost placement, unchanged base first): chr15-89306125-C-CAGCT. GRCh37 (hg19) VCF-style: chr15-89849356-C-CAGCT.
Other names: c.3190_3193dup, p.Cys1065Ter (NM_001376910.1); c.3469_3472dup, p.Cys1158Ter (NM_001376911.1); c.3289_3292dup, p.Cys1098Ter (NM_018193.3); short protein forms C1065*, C1098*, C1158*.
Identifiers: ClinVar variation 1072915 (VCV001072915.7), dbSNP rs2151924296, ClinGen allele CA2499223130.
Genomic context (GRCh38, chr15:89,306,125, plus strand): 5'-GCAACTGGGAACTCTGCTTACATTTTTCCACGAGCTGGTGCAGACAGCTCTGCCATCAGG[C>CAGCT]AGCTGTGTGGACACCTTGTTAAAGGACTTGTGCAAAATGTACACCACACTTACAGCCCTT-3'

ClinVar aggregate classification (germline): Pathogenic (1 of 4 stars; one submission).

Conditions:
Fanconi anemia (FA). Also called: Fanconi's anemia. Identifiers: Orphanet 84, MedGen C0015625, MeSH D005199, MONDO:0019391.

Submission:

Labcorp Genetics (formerly Invitae), Labcorp
Classification: Pathogenic for Fanconi anemia. Last evaluated: 2025-07-21. Review status: criteria provided, single submitter. Criteria: Invitae Variant Classification Sherloc (09022015). Collection method: clinical testing. Allele origin: germline.
Comment: This sequence change creates a premature translational stop signal (p.Cys1158*) in the FANCI gene. It is expected to result in an absent or disrupted protein product. Loss-of-function variants in FANCI are known to be pathogenic (PMID: 17452773, 17460694). This variant is not present in population databases (gnomAD no frequency). This variant has not been reported in the literature in individuals affected with FANCI-related conditions. ClinVar contains an entry for this variant (Variation ID: 1072915). Algorithms developed to predict the effect of sequence changes on RNA splicing suggest that this variant may disrupt the consensus splice site. For these reasons, this variant has been classified as Pathogenic.

Literature cited by the submitters: PubMed 17452773; PubMed 17460694.